The following is an entry in ClinVar:

NM_007215.4(POLG2):c.1247G>C (p.Gly416Ala)

Genes: MILR1 (mast cell immunoglobulin like receptor 1; plus strand), POLG2 (DNA polymerase gamma 2, accessory subunit; minus strand). Cytogenetic location: 17q23.3.
Variant type: single nucleotide variant.
Coding change: c.1247G>C on transcript NM_007215.4 (MANE Select); coding-DNA position 1247, G replaced by C.
Protein change: p.Gly416Ala; replaces glycine 416 with alanine.
Molecular consequence: missense variant.
Genome position (GRCh38, 1-based): chr17:64,480,334, C>G on the plus strand (G>C on the coding strand, the complement: POLG2 is on the minus strand). VCF-style: chr17-64480334-C-G. GRCh37 (hg19) VCF-style: chr17-62476451-C-G.
Other names: p.G416A:GGT>GCT; short protein forms G416A.
Identifiers: ClinVar variation 138783 (VCV000138783.59), dbSNP rs17850455, ClinGen allele CA292887.

ClinVar aggregate classification (germline): Benign/Likely benign. Review status: criteria provided, multiple submitters, no conflicts (2 of 4 stars). 10 submissions from 10 submitters: Benign (7); Likely benign (3). Last evaluated 2026-09-01.

Conditions:
Hereditary spastic paraplegia. Also called: Familial spastic paraparesis. Identifiers: Orphanet 685, MedGen C0037773, MONDO:0019064. Disease mechanism: loss of function.
Progressive external ophthalmoplegia with mitochondrial DNA deletions, autosomal dominant 4. Also called: PROGRESSIVE EXTERNAL OPHTHALMOPLEGIA, AUTOSOMAL DOMINANT 4. Identifiers: MedGen C1864668, MONDO:0012415, OMIM 610131.

Allele frequency attached by ClinVar (database versions not stated): 1000 Genomes Project 0.00319; 1000 Genomes Project 30x 0.00328; TOPMed 0.00884; gnomAD 0.01011 and 0.01048; gnomAD exomes 0.01022 and 0.01243; ExAC 0.01032; ESP Exome Variant Server 0.01192.
gnomAD v4.1: 19,579 of 1,601,138 alleles (1.2%); highest among the groups gnomAD compares: Non-Finnish European, 1.4%; 161 homozygotes.

Submissions (10):

CeGaT Center for Human Genetics Tuebingen
Classification: Benign. Last evaluated: 2026-09-01. Review status: criteria provided, single submitter. Criteria: CeGaT Center For Human Genetics Tuebingen Variant Classification Criteria Version 2. Collection method: clinical testing. Allele origin: germline. Affected: yes. Observed: 82 variant alleles.
Comment: POLG2: BS1, BS2

Labcorp Genetics (formerly Invitae), Labcorp
Classification: Benign. Last evaluated: 2026-02-03. Review status: criteria provided, single submitter. Criteria: Invitae Variant Classification Sherloc (09022015). Collection method: clinical testing. Allele origin: germline.

ARUP Laboratories, Molecular Genetics and Genomics, ARUP Laboratories
Classification: Benign. Last evaluated: 2023-09-14. Review status: criteria provided, single submitter. Criteria: ARUP Molecular Germline Variant Investigation Process 2024. Collection method: clinical testing. Allele origin: germline.

Mayo Clinic Laboratories, Mayo Clinic
Classification: Benign. Last evaluated: 2023-05-05. Review status: criteria provided, single submitter. Criteria: ACMG Guidelines, 2015. Collection method: clinical testing. Allele origin: germline. Observed: 44 variant alleles.
Comment: BA1, BS2

Women's Health and Genetics/Laboratory Corporation of America, LabCorp
Classification: Likely benign. Last evaluated: 2022-11-28. Review status: criteria provided, single submitter. Criteria: LabCorp Variant Classification Summary - May 2015. Collection method: clinical testing. Allele origin: germline.

Genome Diagnostics Laboratory, The Hospital for Sick Children
Classification: Benign for Hereditary spastic paraplegia. Last evaluated: 2021-11-29. Review status: criteria provided, single submitter. Criteria: ACMG Guidelines, 2015. Collection method: clinical testing. Allele origin: germline. Affected: yes.

Illumina Laboratory Services, Illumina
Classification: Benign for Progressive external ophthalmoplegia with mitochondrial DNA deletions, autosomal dominant 4. Last evaluated: 2018-03-06. Review status: criteria provided, single submitter. Criteria: ICSL Variant Classification Criteria 13 December 2019. Collection method: clinical testing. Allele origin: germline.
Comment: This variant was observed in the ICSL laboratory as part of a predisposition screen in an ostensibly healthy population. It had not been previously curated by ICSL or reported in the Human Gene Mutation Database (HGMD: prior to June 1st, 2018), and was therefore a candidate for classification through an automated scoring system. Utilizing variant allele frequency, disease prevalence and penetrance estimates, and inheritance mode, an automated score was calculated to assess if this variant is too frequent to cause the disease. Based on the score and internal cut-off values, a variant classified as benign is not then subjected to further curation. The score for this variant resulted in a classification of benign for this disease.

Laboratory for Molecular Medicine, Mass General Brigham Personalized Medicine
Classification: Likely benign. Last evaluated: 2016-03-29. Review status: criteria provided, single submitter. Criteria: LMM Criteria. Collection method: clinical testing. Allele origin: germline.
Comment: Variant identified in a genome or exome case(s) and assessed due to predicted null impact of the variant or pathogenic assertions in the literature or databases. Disclaimer: This variant has not undergone full assessment. The following are preliminary notes: Frequency in ExAC (NFE): 1087/66520=1.6%

GeneDx
Classification: Benign. Last evaluated: 2011-11-08. Review status: criteria provided, single submitter. Criteria: GeneDx Variant Classification (06012015). Collection method: clinical testing. Allele origin: germline. Affected: yes.
Comment: This variant is considered likely benign or benign based on one or more of the following criteria: it is a conservative change, it occurs at a poorly conserved position in the protein, it is predicted to be benign by multiple in silico algorithms, and/or has population frequency not consistent with disease.

Breakthrough Genomics
Classification: Likely benign. Review status: criteria provided, single submitter. Criteria: ACMG Guidelines, 2015. Collection method: not provided. Allele origin: germline. Inheritance: Autosomal recessive inheritance. Affected: yes.